The following is an entry in ClinVar:

NM_139318.5(KCNH5):c.816_817delinsAT (p.Pro273Ser)

Gene: KCNH5 (potassium voltage-gated channel subfamily H member 5; minus strand). Cytogenetic location: 14q23.2.
Variant type: Indel.
Coding change: c.816_817delinsAT on transcript NM_139318.5 (MANE Select); coding-DNA positions 816 to 817, GC replaced by AT.
Protein change: p.Pro273Ser; replaces proline 273 with serine.
Molecular consequence: missense variant.
Genome position (GRCh38, 1-based): chr14:62,980,997-62,980,998, GC replaced by AT on the plus strand (GC replaced by AT on the coding strand, the reverse complement: KCNH5 is on the minus strand). VCF-style: chr14-62980997-GC-AT. GRCh37 (hg19) VCF-style: chr14-63447715-GC-AT.
Other names: c.816_817delinsAT, p.Pro273Ser (NM_172375.3); short protein forms P273S.
Identifiers: ClinVar variation 2009344 (VCV002009344.4), dbSNP rs2503044531, ClinGen allele CA2580088307.
Genomic context (GRCh38, chr14:62,980,997, plus strand): 5'-ACCAAGTTTTCAGATAGTTCATCCTTATGAGCTTAGGGTCAGAAATGACCTCTCCACCGG[GC>AT]CCCACGAAAGTCGTGTGAAAATTTAAAACGATGTCAACCAGAAAAATAACGTCCACCACA-3'
Protein context (NP_647479.2, residues 263-283): VLNFHTTFVG[Pro273Ser]GGEVISDPKL

ClinVar aggregate classification (germline): Uncertain significance (1 of 4 stars; one submission).

Conditions:
Early-infantile DEE. Also called: Early infantile epileptic encephalopathy; Ohtahara syndrome; Early infantile epileptic encephalopathy with suppression bursts. Identifiers: Orphanet 1934, MedGen C0393706, MONDO:0800491.

Submission:

Labcorp Genetics (formerly Invitae), Labcorp
Classification: Uncertain significance for Early-infantile DEE. Last evaluated: 2022-07-06. Review status: criteria provided, single submitter. Criteria: Invitae Variant Classification Sherloc (09022015). Collection method: clinical testing. Allele origin: germline.
Comment: In summary, the available evidence is currently insufficient to determine the role of this variant in disease. Therefore, it has been classified as a Variant of Uncertain Significance. Experimental studies and prediction algorithms are not available or were not evaluated, and the functional significance of this variant is currently unknown. This variant has not been reported in the literature in individuals affected with KCNH5-related conditions. Information on the frequency of this variant in the gnomAD database is not available, as this variant may be reported differently in the database. This sequence change replaces proline, which is neutral and non-polar, with serine, which is neutral and polar, at codon 273 of the KCNH5 protein (p.Pro273Ser).